The following is an entry in ClinVar:

ClinVar aggregate classification (germline): Benign/Likely benign. Review status: criteria provided, multiple submitters, no conflicts (2 of 4 stars). 13 submissions from 13 submitters: Benign (1); Likely benign (12). Last evaluated 2026-02-02.

Conditions:
Familial ovarian cancer. Identifiers: MedGen C5679802, MONDO:0016248.
Hereditary cancer-predisposing syndrome. Also called: Neoplastic Syndromes, Hereditary; Hereditary Cancer Syndrome; Tumor predisposition; Hereditary neoplastic syndrome. Identifiers: Orphanet 140162, MedGen C0027672, MeSH D009386, MONDO:0015356.
Fanconi anemia complementation group J. Also called: BRIP1-Related Fanconi Anemia. Identifiers: Orphanet 84, MedGen C1836860, MONDO:0012187, OMIM 609054.
Familial cancer of breast. Also called: Hereditary breast cancer; hereditary breast carcinoma; BREAST CANCER, FAMILIAL. Identifiers: Orphanet 227535, MedGen C0346153, MONDO:0016419, OMIM 114480. Disease mechanism: loss of function.

Allele frequency attached by ClinVar (database versions not stated): TOPMed 0.00002; ESP Exome Variant Server 0.00008; ExAC 0.00010; 1000 Genomes Project 30x 0.00016; 1000 Genomes Project 0.00020.
gnomAD v4.1: 57 of 1,613,764 alleles (0.0035%); highest among the groups gnomAD compares: South Asian, 0.044%; no homozygotes.

Submissions (13):

Labcorp Genetics (formerly Invitae), Labcorp
Classification: Likely benign for Familial cancer of breast; Fanconi anemia complementation group J. Last evaluated: 2026-02-02. Review status: criteria provided, single submitter. Criteria: Invitae Variant Classification Sherloc (09022015). Collection method: clinical testing. Allele origin: germline.

Molecular Diagnostics Laboratory, Catalan Institute of Oncology
Classification: Likely benign for Hereditary cancer-predisposing syndrome. Last evaluated: 2025-04-14. Review status: criteria provided, single submitter. Criteria: ACMG Guidelines, 2015. Collection method: clinical testing. Allele origin: germline.
Comment: BP4, BP7 c.618G>A, located in exon 6 of the BRIP1 gene, is predicted to result in no splicing alteration (according to SpliceAI) and no amino acid change, p.(Ser206=) (BP4, BP7). This variant is found in 21/282690 alleles at a frequency of 0.0074% in the gnomAD v2.1.1 database, non-cancer dataset. To our knowledge, neither relevant clinical data nor well-stablished functional studies have been reported for this variant. This variant has been reported in the ClinVar database (1x benign, 9x likely benign). Based on the currently available information, c.618G>A is classified as a likely benign variant according to ACMG guidelines.

Center for Genomic Medicine, Rigshospitalet, Copenhagen University Hospital
Classification: Likely benign. Last evaluated: 2025-03-04. Review status: criteria provided, single submitter. Criteria: ACMG Guidelines, 2015. Collection method: clinical testing. Allele origin: germline.

Myriad Genetics, Inc.
Classification: Benign for Familial cancer of breast. Last evaluated: 2024-08-21. Review status: criteria provided, single submitter. Criteria: Myriad Autosomal Dominant, Autosomal Recessive and X-Linked Classification Criteria (2023). Collection method: clinical testing. Allele origin: unknown.
Comment: This variant is considered benign. This variant is a silent/synonymous amino acid change and it is not expected to impact splicing.

Blueprint Genetics
Classification: Likely benign. Last evaluated: 2023-12-27. Review status: criteria provided, single submitter. Criteria: ACMG Guidelines, 2015. Collection method: clinical testing. Allele origin: germline.

CeGaT Center for Human Genetics Tuebingen
Classification: Likely benign. Last evaluated: 2023-11-01. Review status: criteria provided, single submitter. Criteria: CeGaT Center For Human Genetics Tuebingen Variant Classification Criteria Version 2. Collection method: clinical testing. Allele origin: germline. Affected: yes. Observed: 1 variant allele.
Comment: BRIP1: BP4, BP7

Quest Diagnostics Nichols Institute San Juan Capistrano
Classification: Likely benign. Last evaluated: 2023-04-12. Review status: criteria provided, single submitter. Criteria: Quest Diagnostics criteria. Collection method: clinical testing. Allele origin: unknown.

Department of Pathology and Laboratory Medicine, Sinai Health System
Classification: Likely benign for familial ovarian cancer. Last evaluated: 2022-08-18. Review status: criteria provided, single submitter. Criteria: ACMG Guidelines, 2015. Collection method: clinical testing. Allele origin: germline. Affected: no.

Sema4
Classification: Likely benign for Hereditary cancer-predisposing syndrome. Last evaluated: 2021-12-03. Review status: criteria provided, single submitter. Criteria: Sema4 Curation Guidelines. Collection method: curation. Allele origin: germline.

GeneDx
Classification: Likely benign. Last evaluated: 2017-07-05. Review status: criteria provided, single submitter. Criteria: GeneDx Variant Classification (06012015). Collection method: clinical testing. Allele origin: germline. Affected: yes.
Comment: This variant is considered likely benign or benign based on one or more of the following criteria: it is a conservative change, it occurs at a poorly conserved position in the protein, it is predicted to be benign by multiple in silico algorithms, and/or has population frequency not consistent with disease.

Color Diagnostics, LLC DBA Color Health
Classification: Likely benign for Hereditary cancer-predisposing syndrome. Last evaluated: 2017-01-20. Review status: criteria provided, single submitter. Criteria: ACMG Guidelines, 2015. Collection method: clinical testing. Allele origin: germline.

PreventionGenetics, part of Exact Sciences
Classification: Likely benign. Last evaluated: 2016-11-02. Review status: criteria provided, single submitter. Criteria: ACMG Guidelines, 2015. Collection method: clinical testing. Allele origin: germline.

Ambry Genetics
Classification: Likely benign for Hereditary cancer-predisposing syndrome. Last evaluated: 2015-05-06. Review status: criteria provided, single submitter. Criteria: Ambry Variant Classification Scheme 2023. Collection method: clinical testing. Allele origin: germline.

NM_032043.3(BRIP1):c.618G>A (p.Ser206=)

Gene: BRIP1 (BRCA1 interacting DNA helicase 1; minus strand). Cytogenetic location: 17q23.2.
Variant type: single nucleotide variant.
Coding change: c.618G>A on transcript NM_032043.3 (MANE Select); coding-DNA position 618, G replaced by A.
Protein change: p.Ser206=; no amino-acid change (serine 206 retained).
Molecular consequence: synonymous variant.
Genome position (GRCh38, 1-based): chr17:61,847,110, C>T on the plus strand (G>A on the coding strand, the complement: BRIP1 is on the minus strand). VCF-style: chr17-61847110-C-T. GRCh37 (hg19) VCF-style: chr17-59924471-C-T.
Identifiers: ClinVar variation 231693 (VCV000231693.51), dbSNP rs367614726, ClinGen allele CA8690900.